The following is an entry in ClinVar:

NM_006231.4(POLE):c.1968C>G (p.Phe656Leu)

Gene: POLE (DNA polymerase epsilon, catalytic subunit; minus strand). Cytogenetic location: 12q24.33.
Variant type: single nucleotide variant.
Coding change: c.1968C>G on transcript NM_006231.4 (MANE Select); coding-DNA position 1968, C replaced by G.
Protein change: p.Phe656Leu; replaces phenylalanine 656 with leucine.
Molecular consequence: missense variant.
Genome position (GRCh38, 1-based): chr12:132,668,693, G>C on the plus strand (C>G on the coding strand, the complement: POLE is on the minus strand). VCF-style: chr12-132668693-G-C. GRCh37 (hg19) VCF-style: chr12-133245279-G-C.
Other names: short protein forms F656L.
Identifiers: ClinVar variation 2767857 (VCV002767857.3), dbSNP rs931232874, ClinGen allele CA387355058.

ClinVar aggregate classification (germline): Uncertain significance (1 of 4 stars; one submission).

Submission:

Labcorp Genetics (formerly Invitae), Labcorp
Classification: Uncertain significance. Last evaluated: 2023-10-13. Review status: criteria provided, single submitter. Criteria: Invitae Variant Classification Sherloc (09022015). Collection method: clinical testing. Allele origin: germline.
Comment: This sequence change replaces phenylalanine, which is neutral and non-polar, with leucine, which is neutral and non-polar, at codon 656 of the POLE protein (p.Phe656Leu). This variant is not present in population databases (gnomAD no frequency). This variant has not been reported in the literature in individuals affected with POLE-related conditions. Advanced modeling of protein sequence and biophysical properties (such as structural, functional, and spatial information, amino acid conservation, physicochemical variation, residue mobility, and thermodynamic stability) performed at Invitae indicates that this missense variant is expected to disrupt POLE protein function. In summary, the available evidence is currently insufficient to determine the role of this variant in disease. Therefore, it has been classified as a Variant of Uncertain Significance.